The following is an entry in ClinVar:

NM_001457.4(FLNB):c.6348C>A (p.Asp2116Glu)

Gene: FLNB (filamin B; plus strand). Cytogenetic location: 3p14.3.
Variant type: single nucleotide variant.
Coding change: c.6348C>A on transcript NM_001457.4 (MANE Select); coding-DNA position 6348, C replaced by A.
Protein change: p.Asp2116Glu; replaces aspartic acid 2116 with glutamic acid.
Molecular consequence: missense variant.
Genome position (GRCh38, 1-based): chr3:58,150,208, C>A. VCF-style: chr3-58150208-C-A. GRCh37 (hg19) VCF-style: chr3-58135935-C-A.
Other names: c.6441C>A, p.Asp2147Glu (NM_001164317.2); c.6315C>A, p.Asp2105Glu (NM_001164318.2); c.6276C>A, p.Asp2092Glu (NM_001164319.2); short protein forms D2105E, D2116E, D2147E, D2092E.
Identifiers: ClinVar variation 3023161 (VCV003023161.3), dbSNP rs752614000, ClinGen allele CA353358256.

ClinVar aggregate classification (germline): Uncertain significance (1 of 4 stars; one submission).

Allele frequency attached by ClinVar (database versions not stated): TOPMed below 0.00001.
gnomAD v4.1: 1 of 1,614,212 alleles (0.000062%); no homozygotes.

Submission:

Labcorp Genetics (formerly Invitae), Labcorp
Classification: Uncertain significance. Last evaluated: 2025-03-31. Review status: criteria provided, single submitter. Criteria: Invitae Variant Classification Sherloc (09022015). Collection method: clinical testing. Allele origin: germline.
Comment: This sequence change replaces aspartic acid, which is acidic and polar, with glutamic acid, which is acidic and polar, at codon 2116 of the FLNB protein (p.Asp2116Glu). This variant is not present in population databases (gnomAD no frequency). This variant has not been reported in the literature in individuals affected with FLNB-related conditions. ClinVar contains an entry for this variant (Variation ID: 3023161). Invitae Evidence Modeling of protein sequence and biophysical properties (such as structural, functional, and spatial information, amino acid conservation, physicochemical variation, residue mobility, and thermodynamic stability) indicates that this missense variant is not expected to disrupt FLNB protein function with a negative predictive value of 80%. In summary, the available evidence is currently insufficient to determine the role of this variant in disease. Therefore, it has been classified as a Variant of Uncertain Significance.